The following is an entry in ClinVar:

NM_024301.5(FKRP):c.640C>G (p.Leu214Val)

Gene: FKRP (fukutin related protein; plus strand). Cytogenetic location: 19q13.32.
Variant type: single nucleotide variant.
Coding change: c.640C>G on transcript NM_024301.5 (MANE Select); coding-DNA position 640, C replaced by G.
Protein change: p.Leu214Val; replaces leucine 214 with valine.
Molecular consequence: missense variant.
Genome position (GRCh38, 1-based): chr19:46,756,090, C>G. VCF-style: chr19-46756090-C-G. GRCh37 (hg19) VCF-style: chr19-47259347-C-G.
Other names: c.640C>G, p.Leu214Val (NM_001039885.3); short protein forms L214V.
Identifiers: ClinVar variation 652814 (VCV000652814.9), dbSNP rs768674420, ClinGen allele CA406495718.

ClinVar aggregate classification (germline): Uncertain significance. Review status: criteria provided, multiple submitters, no conflicts (2 of 4 stars). 2 submissions from 2 submitters: Uncertain significance (2). Last evaluated 2025-12-05.

Conditions:
Walker-Warburg congenital muscular dystrophy. Also called: Muscular dystrophy-dystroglycanopathy, type A; Walker-Warburg syndrome. Identifiers: Orphanet 899, MedGen C0265221, MONDO:0000171.

Submissions (2):

Women's Health and Genetics/Laboratory Corporation of America, LabCorp
Classification: Uncertain significance. Last evaluated: 2025-12-05. Review status: criteria provided, single submitter. Criteria: LabCorp Variant Classification Summary - May 2015. Collection method: clinical testing. Allele origin: germline.
Comment: Variant summary: FKRP c.640C>G (p.Leu214Val) results in a conservative amino acid change in the encoded protein sequence. Algorithms developed to predict the effect of missense changes on protein structure and function are either unavailable or do not agree on the potential impact of this missense change. The frequency data for this variant in gnomAD is considered unreliable, as metrics indicate poor data quality at this position. To our knowledge, no occurrence of c.640C>G in individuals affected with FKRP-related conditions and no experimental evidence demonstrating its impact on protein function have been reported. ClinVar contains an entry for this variant (Variation ID: 652814). Based on the evidence outlined above, the variant was classified as uncertain significance.

Labcorp Genetics (formerly Invitae), Labcorp
Classification: Uncertain significance for Walker-Warburg congenital muscular dystrophy. Last evaluated: 2018-09-21. Review status: criteria provided, single submitter. Criteria: Invitae Variant Classification Sherloc (09022015). Collection method: clinical testing. Allele origin: germline.
Comment: In summary, the available evidence is currently insufficient to determine the role of this variant in disease. Therefore, it has been classified as a Variant of Uncertain Significance. Algorithms developed to predict the effect of missense changes on protein structure and function (SIFT, PolyPhen-2, Align-GVGD) all suggest that this variant is likely to be tolerated, but these predictions have not been confirmed by published functional studies and their clinical significance is uncertain. This variant has not been reported in the literature in individuals with FKRP-related disease. This variant is not present in population databases (ExAC no frequency). This sequence change replaces leucine with valine at codon 214 of the FKRP protein (p.Leu214Val). The leucine residue is highly conserved and there is a small physicochemical difference between leucine and valine.